The following is an entry in ClinVar:

NM_001908.5(CTSB):c.127-3C>G

Gene: CTSB (cathepsin B). Cytogenetic location: 8p23.1.
Variant type: single nucleotide variant.
Coding change: c.127-3C>G on transcript NM_001908.5 (MANE Select); 3 bases into the intron before coding-DNA position 127, C replaced by G.
Molecular consequence: intron variant.
Genome position (GRCh38, 1-based): chr8:11,852,698, G>C on the plus strand (C>G on the coding strand, the complement: CTSB is on the minus strand). VCF-style: chr8-11852698-G-C. GRCh37 (hg19) VCF-style: chr8-11710207-G-C.
Other names: c.127-3C>G (NM_001384728.1, NM_147783.4, NM_147781.4 and 8 more transcripts); c.-127-3C>G (NM_001317237.2).
Identifiers: ClinVar variation 5002919 (VCV005002919.1).
Genomic context (GRCh38, chr8:11,852,698, plus strand): 5'-AGGTACCACATAGCCTCTTCAAGTAGCTCATGTCCACGTTGTAGAAGTTGTGCCCGGCCT[G>C]GAAGAGAGTCACCCACTGACTGAAGGGTCTCCCGGGATGGCGGTGGATGGGCACGCTGCC-3'

ClinVar aggregate classification (germline): Uncertain significance (1 of 4 stars; one submission).

gnomAD v4.1: 1 of 1,613,712 alleles (0.000062%); highest among the groups gnomAD compares: Non-Finnish European, 0.000085%; no homozygotes.

Submission:

OLLIN Analises Genomicas, OLLIN
Classification: Uncertain significance. Last evaluated: 2026-08-06. Review status: criteria provided, single submitter. Criteria: ACMG Guidelines 2015 PMID 25741868. Collection method: clinical testing. Allele origin: germline.
Comment: This variant has been observed in gnomAD with an allele frequency of 0.000062%, but has not been reported in ClinVar or identified in the literature. According to the currently available evidence, this variant has been classified as uncertain significance (PM2_P, PP3).